The following is an entry in ClinVar:

ClinVar aggregate classification (germline): Uncertain significance (1 of 4 stars; one submission).

Conditions:
Developmental and epileptic encephalopathy, 9 (DEE9). Also called: Early infantile epileptic encephalopathy 9; EPILEPSY, FEMALE-RESTRICTED, WITH MENTAL RETARDATION; JUBERG-HELLMAN SYNDROME; PCDH19-Related X-Linked Female-Limited Epilepsy with Mental Retardation. Identifiers: Orphanet 101039, Orphanet 2076, MedGen C1848137, MONDO:0010246, OMIM 300088. Disease mechanism: loss of function.

Allele frequency attached by ClinVar (database versions not stated): gnomAD exomes 0.00001.
gnomAD v4.1: 3 of 1,211,055 alleles (0.00025%); highest among the groups gnomAD compares: Admixed American, 0.0065%; no homozygotes.

Submission:

Labcorp Genetics (formerly Invitae), Labcorp
Classification: Uncertain significance for Developmental and epileptic encephalopathy, 9. Last evaluated: 2023-05-29. Review status: criteria provided, single submitter. Criteria: Invitae Variant Classification Sherloc (09022015). Collection method: clinical testing. Allele origin: germline.
Comment: In summary, the available evidence is currently insufficient to determine the role of this variant in disease. Therefore, it has been classified as a Variant of Uncertain Significance. Advanced modeling of protein sequence and biophysical properties (such as structural, functional, and spatial information, amino acid conservation, physicochemical variation, residue mobility, and thermodynamic stability) has been performed at Invitae for this missense variant, however the output from this modeling did not meet the statistical confidence thresholds required to predict the impact of this variant on PCDH19 protein function. ClinVar contains an entry for this variant (Variation ID: 1022640). This variant has not been reported in the literature in individuals affected with PCDH19-related conditions. This variant is present in population databases (no rsID available, gnomAD 0.008%). This sequence change replaces proline, which is neutral and non-polar, with leucine, which is neutral and non-polar, at codon 1064 of the PCDH19 protein (p.Pro1064Leu).

NM_001184880.2(PCDH19):c.3191C>T (p.Pro1064Leu)

Gene: PCDH19 (protocadherin 19; minus strand). Cytogenetic location: Xq22.1.
Variant type: single nucleotide variant.
Coding change: c.3191C>T on transcript NM_001184880.2 (MANE Select); coding-DNA position 3191, C replaced by T.
Protein change: p.Pro1064Leu; replaces proline 1064 with leucine.
Molecular consequence: missense variant.
Genome position (GRCh38, 1-based): chrX:100,296,533, G>A on the plus strand (C>T on the coding strand, the complement: PCDH19 is on the minus strand). VCF-style: chrX-100296533-G-A. GRCh37 (hg19) VCF-style: chrX-99551531-G-A.
Other names: c.3050C>T, p.Pro1017Leu (NM_001105243.2); c.3047C>T, p.Pro1016Leu (NM_020766.3); short protein forms P1016L, P1017L, P1064L.
Identifiers: ClinVar variation 1022640 (VCV001022640.9), dbSNP rs1285095488, ClinGen allele CA414000063.